The following is an entry in ClinVar:

ClinVar aggregate classification (germline): Uncertain significance (1 of 4 stars; one submission).

Conditions:
Epidermodysplasia verruciformis. Identifiers: Orphanet 302, MedGen C0014522, MONDO:0009176.

Allele frequency attached by ClinVar (database versions not stated): ExAC 0.00001; gnomAD exomes 0.00001.
gnomAD v4.1: 9 of 1,612,838 alleles (0.00056%); highest among the groups gnomAD compares: South Asian, 0.0011%; no homozygotes.

Submission:

Labcorp Genetics (formerly Invitae), Labcorp
Classification: Uncertain significance for Epidermodysplasia verruciformis. Last evaluated: 2022-05-08. Review status: criteria provided, single submitter. Criteria: Invitae Variant Classification Sherloc (09022015). Collection method: clinical testing. Allele origin: germline.
Comment: This variant is present in population databases (rs778033380, gnomAD 0.002%). This variant has not been reported in the literature in individuals affected with TMC8-related conditions. Algorithms developed to predict the effect of missense changes on protein structure and function are either unavailable or do not agree on the potential impact of this missense change (SIFT: "Deleterious"; PolyPhen-2: "Probably Damaging"; Align-GVGD: "Class C0"). In summary, the available evidence is currently insufficient to determine the role of this variant in disease. Therefore, it has been classified as a Variant of Uncertain Significance. This sequence change replaces arginine, which is basic and polar, with histidine, which is basic and polar, at codon 114 of the TMC8 protein (p.Arg114His).

NM_152468.5(TMC8):c.341G>A (p.Arg114His)

Genes: TMC6 (transmembrane channel like 6; minus strand), TMC8 (transmembrane channel like 8; plus strand), LOC130061793 (ATAC-STARR-seq lymphoblastoid silent region 9044; plus strand). Cytogenetic location: 17q25.3.
Variant type: single nucleotide variant.
Coding change: c.341G>A on transcript NM_152468.5 (MANE Select); coding-DNA position 341, G replaced by A.
Protein change: p.Arg114His; replaces arginine 114 with histidine.
Molecular consequence: missense variant. On other transcripts: 5 prime UTR variant (1).
Genome position (GRCh38, 1-based): chr17:78,132,401, G>A. VCF-style: chr17-78132401-G-A. GRCh37 (hg19) VCF-style: chr17-76128482-G-A.
Other names: c.-135C>T (NM_007267.7); short protein forms R114H.
Identifiers: ClinVar variation 1951486 (VCV001951486.5), dbSNP rs778033380, ClinGen allele CA8796416.